The following is an entry in ClinVar:

ClinVar aggregate classification (germline): Pathogenic (1 of 4 stars; one submission).

Conditions:
Hereditary cancer-predisposing syndrome. Also called: Hereditary Cancer Syndrome; Neoplastic Syndromes, Hereditary; Hereditary neoplastic syndrome; Tumor predisposition. Identifiers: Orphanet 140162, MedGen C0027672, MeSH D009386, MONDO:0015356.

Submission:

Ambry Genetics
Classification: Pathogenic for Hereditary cancer-predisposing syndrome. Last evaluated: 2011-12-16. Review status: criteria provided, single submitter. Criteria: Ambry Autosomal Dominant and X-Linked criteria (10/2015). Collection method: clinical testing. Allele origin: germline. Observed: 1 variant allele.
Comment: This alteration is expected to result in loss of function by premature protein truncation or nonsense-mediatedâ€¯mRNAâ€¯decay.â€¯As such, this alteration is interpreted as a disease-causing mutation.

NM_000321.3(RB1):c.2055del (p.Gln685fs)

Gene: RB1 (RB transcriptional corepressor 1; plus strand). Cytogenetic location: 13q14.2.
Variant type: Deletion.
Coding change: c.2055del on transcript NM_000321.3 (MANE Select); coding-DNA position 2055, one base deleted (G; older notation c.2055delG).
Protein change: p.Gln685fs; shifts the reading frame from glutamine 685.
Molecular consequence: frameshift variant.
Genome position (GRCh38, 1-based): chr13:48,459,782, G deleted. VCF-style (leftmost placement, unchanged base first): chr13-48459781-AG-A. GRCh37 (hg19) VCF-style: chr13-49033917-AG-A.
Other names: c.2055delG (NM_000321.2); short protein forms Q685fs.
Identifiers: ClinVar variation 428662 (VCV000428662.3), dbSNP rs1131690844, ClinGen allele CA645369598.